The following is an entry in ClinVar:

NM_152703.5(SAMD9L):c.1423G>A (p.Asp475Asn)

Gene: SAMD9L (sterile alpha motif domain containing 9 like; minus strand). Cytogenetic location: 7q21.2.
Variant type: single nucleotide variant.
Coding change: c.1423G>A on transcript NM_152703.5 (MANE Select); coding-DNA position 1423, G replaced by A.
Protein change: p.Asp475Asn; replaces aspartic acid 475 with asparagine.
Molecular consequence: missense variant.
Genome position (GRCh38, 1-based): chr7:93,134,549, C>T on the plus strand (G>A on the coding strand, the complement: SAMD9L is on the minus strand). VCF-style: chr7-93134549-C-T. GRCh37 (hg19) VCF-style: chr7-92763862-C-T.
Other names: c.1423G>A, p.Asp475Asn (NM_001303496.3, NM_001303497.3, NM_001303498.3 and 5 more transcripts); short protein forms D475N.
Identifiers: ClinVar variation 4159369 (VCV004159369.1).

ClinVar aggregate classification (germline): Uncertain significance (1 of 4 stars; one submission).

Conditions:
Inborn genetic diseases. Identifiers: MedGen C0950123, MeSH D030342.

gnomAD v4.1: 2 of 1,613,922 alleles (0.00012%); highest among the groups gnomAD compares: Non-Finnish European, 0.00017%; no homozygotes.

Submission:

Ambry Genetics
Classification: Uncertain significance for Inborn genetic diseases. Last evaluated: 2025-08-01. Review status: criteria provided, single submitter. Criteria: Ambry Variant Classification Scheme 2023. Collection method: clinical testing. Allele origin: germline.
Comment: The p.D475N variant (also known as c.1423G>A), located in coding exon 1 of the SAMD9L gene, results from a G to A substitution at nucleotide position 1423. The aspartic acid at codon 475 is replaced by asparagine, an amino acid with highly similar properties. This amino acid position is conserved. In addition, this alteration is predicted to be tolerated by in silico analysis. Based on the available evidence, the clinical significance of this variant remains unclear.